The following is an entry in ClinVar:

NM_004629.2(FANCG):c.1301T>C (p.Leu434Pro)

Gene: FANCG (FA complementation group G; minus strand). Cytogenetic location: 9p13.3.
Variant type: single nucleotide variant.
Coding change: c.1301T>C on transcript NM_004629.2 (MANE Select); coding-DNA position 1301, T replaced by C.
Protein change: p.Leu434Pro; replaces leucine 434 with proline.
Molecular consequence: missense variant.
Genome position (GRCh38, 1-based): chr9:35,075,597, A>G on the plus strand (T>C on the coding strand, the complement: FANCG is on the minus strand). VCF-style: chr9-35075597-A-G. GRCh37 (hg19) VCF-style: chr9-35075594-A-G.
Other names: short protein forms L434P.
Identifiers: ClinVar variation 3848384 (VCV003848384.1).

ClinVar aggregate classification (germline): Uncertain significance (1 of 4 stars; one submission).

Conditions:
Inborn genetic diseases. Identifiers: MedGen C0950123, MeSH D030342.

gnomAD v4.1: 2 of 1,613,990 alleles (0.00012%); highest among the groups gnomAD compares: Non-Finnish European, 0.00017%; no homozygotes.

Submission:

Ambry Genetics
Classification: Uncertain significance for Inborn genetic diseases. Last evaluated: 2024-12-21. Review status: criteria provided, single submitter. Criteria: Ambry Variant Classification Scheme 2023. Collection method: clinical testing. Allele origin: germline.
Comment: The p.L434P variant (also known as c.1301T>C), located in coding exon 10 of the FANCG gene, results from a T to C substitution at nucleotide position 1301. The leucine at codon 434 is replaced by proline, an amino acid with similar properties. This amino acid position is conserved. In addition, this alteration is predicted to be tolerated by in silico analysis. Based on the available evidence, the clinical significance of this variant remains unclear.